The following is an entry in ClinVar:

ClinVar aggregate classification (germline): Uncertain significance. Review status: criteria provided, multiple submitters, no conflicts (2 of 4 stars). 3 submissions from 3 submitters: Uncertain significance (3). Last evaluated 2026-05-01.

Conditions:
Polycystic kidney disease 4 (PKD4). Also called: Autosomal Recessive Polycystic Kidney Disease – PKHD1; PKD3; POLYCYSTIC KIDNEY AND HEPATIC DISEASE 1; POLYCYSTIC KIDNEY DISEASE, INFANTILE, TYPE I; POLYCYSTIC KIDNEY DISEASE 4 WITH OR WITHOUT POLYCYSTIC LIVER DISEASE. Identifiers: MedGen C4540575, MONDO:0033004, OMIM 263200.
Autosomal recessive polycystic kidney disease (ARPKD). Also called: AR polycystic kidney disease. Identifiers: Orphanet 731, Orphanet 8378, MedGen C0085548, MeSH D017044, MONDO:0009889.

gnomAD v4.1: 8 of 1,613,476 alleles (0.0005%); highest among the groups gnomAD compares: Non-Finnish European, 0.00068%; no homozygotes.

Submissions (3):

CeGaT Center for Human Genetics Tuebingen
Classification: Uncertain significance. Last evaluated: 2026-05-01. Review status: criteria provided, single submitter. Criteria: CeGaT Center For Human Genetics Tuebingen Variant Classification Criteria Version 2. Collection method: clinical testing. Allele origin: germline. Affected: yes. Observed: 1 variant allele.
Comment: PKHD1: PM2, BP4

Fulgent Genetics
Classification: Uncertain significance for Polycystic kidney disease 4. Last evaluated: 2022-02-09. Review status: criteria provided, single submitter. Criteria: ACMG Guidelines, 2015. Collection method: clinical testing. Allele origin: unknown.

Labcorp Genetics (formerly Invitae), Labcorp
Classification: Uncertain significance for Autosomal recessive polycystic kidney disease. Last evaluated: 2021-10-14. Review status: criteria provided, single submitter. Criteria: Invitae Variant Classification Sherloc (09022015). Collection method: clinical testing. Allele origin: germline.
Comment: This sequence change replaces proline with serine at codon 3845 of the PKHD1 protein (p.Pro3845Ser). The proline residue is weakly conserved and there is a moderate physicochemical difference between proline and serine. This variant is not present in population databases (ExAC no frequency). This variant has not been reported in the literature in individuals affected with PKHD1-related conditions. Algorithms developed to predict the effect of missense changes on protein structure and function output the following: SIFT: "Tolerated"; PolyPhen-2: "Benign"; Align-GVGD: "Class C0". The serine amino acid residue is found in multiple mammalian species, which suggests that this missense change does not adversely affect protein function. In summary, the available evidence is currently insufficient to determine the role of this variant in disease. Therefore, it has been classified as a Variant of Uncertain Significance.

NM_138694.4(PKHD1):c.11533C>T (p.Pro3845Ser)

Gene: PKHD1 (PKHD1 ciliary IPT domain containing fibrocystin/polyductin; minus strand). Cytogenetic location: 6p12.3.
Variant type: single nucleotide variant.
Coding change: c.11533C>T on transcript NM_138694.4 (MANE Select); coding-DNA position 11533, C replaced by T.
Protein change: p.Pro3845Ser; replaces proline 3845 with serine.
Molecular consequence: missense variant.
Genome position (GRCh38, 1-based): chr6:51,632,697, G>A on the plus strand (C>T on the coding strand, the complement: PKHD1 is on the minus strand). VCF-style: chr6-51632697-G-A. GRCh37 (hg19) VCF-style: chr6-51497495-G-A.
Other names: short protein forms P3845S.
Identifiers: ClinVar variation 1523558 (VCV001523558.8), dbSNP rs548244367, ClinGen allele CA364420381.
Genomic context (GRCh38, chr6:51,632,697, plus strand): 5'-GGGAAGCAGCCAGGATGATGGTCGACTTCTCCTTCCTAGTCACAGGCAAGACAGCAAATG[G>A]CTTGGATCGAGCTGTAAAATTGACTCCTGTGGCGGGGAAAAGAAGATGTTTCAATGATAT-3'
Protein context (NP_619639.3, residues 3835-3855): PGVNFTARSK[Pro3845Ser]FAVLPVTRKE